The following is an entry in ClinVar:

ClinVar aggregate classification (germline): Benign/Likely benign. Review status: criteria provided, multiple submitters, no conflicts (2 of 4 stars). 6 submissions from 6 submitters: Benign (3); Likely benign (2). 1 of the submissions does not count toward it. Last evaluated 2026-01-14.

Conditions:
Rubinstein-Taybi syndrome due to EP300 haploinsufficiency. Also called: EP300-Related Rubinstein-Taybi Syndrome; RUBINSTEIN-TAYBI SYNDROME 2. Identifiers: Orphanet 353284, Orphanet 783, MedGen C3150941, MONDO:0013364, OMIM 613684.
EP300-related disorder. Also called: EP300-related condition; EP300-related disorders.

Allele frequency attached by ClinVar (database versions not stated): 1000 Genomes Project 0.00080; 1000 Genomes Project 30x 0.00109; ESP Exome Variant Server 0.00123; gnomAD 0.00130 and 0.00142; TOPMed 0.00184.
gnomAD v4.1: 370 of 1,614,154 alleles (0.023%); highest among the groups gnomAD compares: African/African-American, 0.37%; 3 homozygotes.

Submissions (6):

Labcorp Genetics (formerly Invitae), Labcorp
Classification: Benign for Rubinstein-Taybi syndrome due to EP300 haploinsufficiency. Last evaluated: 2026-01-14. Review status: criteria provided, single submitter. Criteria: Invitae Variant Classification Sherloc (09022015). Collection method: clinical testing. Allele origin: germline.

CeGaT Center for Human Genetics Tuebingen
Classification: Likely benign. Last evaluated: 2025-09-01. Review status: criteria provided, single submitter. Criteria: CeGaT Center For Human Genetics Tuebingen Variant Classification Criteria Version 2. Collection method: clinical testing. Allele origin: germline. Affected: yes. Observed: 4 variant alleles.
Comment: EP300: BP4, BS1

Blueprint Genetics
Classification: Likely benign. Last evaluated: 2024-07-23. Review status: criteria provided, single submitter. Criteria: ACMG Guidelines, 2015. Collection method: clinical testing. Allele origin: germline.

GeneDx
Classification: Benign. Last evaluated: 2018-11-28. Review status: criteria provided, single submitter. Criteria: GeneDx Variant Classification Process June 2021. Collection method: clinical testing. Allele origin: germline. Affected: yes.

Breakthrough Genomics
Classification: Benign. Review status: criteria provided, single submitter. Criteria: ACMG Guidelines, 2015. Collection method: not provided. Allele origin: germline. Inheritance: Autosomal dominant inheritance. Affected: yes.

PreventionGenetics, part of Exact Sciences
Classification: Benign for EP300-related condition. Last evaluated: 2019-05-08. Review status: no assertion criteria provided. Collection method: clinical testing. Allele origin: germline. Not counted in ClinVar's aggregate classification.
Comment: This variant is classified as benign based on ACMG/AMP sequence variant interpretation guidelines (Richards et al. 2015 PMID: 25741868, with internal and published modifications).

NM_001429.4(EP300):c.6210G>A (p.Val2070=)

Gene: EP300 (EP300 lysine acetyltransferase; plus strand). Cytogenetic location: 22q13.2.
Variant type: single nucleotide variant.
Coding change: c.6210G>A on transcript NM_001429.4 (MANE Select); coding-DNA position 6210, G replaced by A.
Protein change: p.Val2070=; no amino-acid change (valine 2070 retained).
Molecular consequence: synonymous variant.
Genome position (GRCh38, 1-based): chr22:41,177,921, G>A. VCF-style: chr22-41177921-G-A. GRCh37 (hg19) VCF-style: chr22-41573925-G-A.
Other names: c.6132G>A, p.Val2044= (NM_001362843.2).
Identifiers: ClinVar variation 538875 (VCV000538875.39), dbSNP rs11912899, ClinGen allele CA10253799.